The following is an entry in ClinVar:

NM_001849.4(COL6A2):c.1116+6T>G

Gene: COL6A2 (collagen type VI alpha 2 chain; plus strand). Cytogenetic location: 21q22.3.
Variant type: single nucleotide variant.
Coding change: c.1116+6T>G on transcript NM_001849.4 (MANE Select); 6 bases into the intron after coding-DNA position 1116, T replaced by G.
Molecular consequence: intron variant.
Genome position (GRCh38, 1-based): chr21:46,117,942, T>G. VCF-style: chr21-46117942-T-G. GRCh37 (hg19) VCF-style: chr21-47537856-T-G.
Other names: c.1116+6T>G (NM_058175.3, NM_058174.3).
Identifiers: ClinVar variation 2192499 (VCV002192499.4), dbSNP rs199883742, ClinGen allele CA321964523.

ClinVar aggregate classification (germline): Uncertain significance (1 of 4 stars; one submission).

Conditions:
Bethlem myopathy 1A. Also called: Bethlem Muscular Dystrophy; MYOPATHY, BENIGN CONGENITAL, WITH CONTRACTURES; Bethlem myopathy 1. Identifiers: Orphanet 610, MedGen CN029274, MONDO:0024530, OMIM 158810.

Allele frequency attached by ClinVar (database versions not stated): gnomAD 0.00001; TOPMed 0.00001; 1000 Genomes Project 0.00020; 1000 Genomes Project 30x 0.00031.
gnomAD v4.1: 4 of 1,611,794 alleles (0.00025%); highest among the groups gnomAD compares: African/African-American, 0.0013%; no homozygotes.

Submission:

Labcorp Genetics (formerly Invitae), Labcorp
Classification: Uncertain significance for Bethlem myopathy 1A. Last evaluated: 2022-07-25. Review status: criteria provided, single submitter. Criteria: Invitae Variant Classification Sherloc (09022015). Collection method: clinical testing. Allele origin: germline.
Comment: In summary, the available evidence is currently insufficient to determine the role of this variant in disease. Therefore, it has been classified as a Variant of Uncertain Significance. Variants that disrupt the consensus splice site are a relatively common cause of aberrant splicing (PMID: 17576681, 9536098). Algorithms developed to predict the effect of sequence changes on RNA splicing suggest that this variant is not likely to affect RNA splicing. This variant has not been reported in the literature in individuals affected with COL6A2-related conditions. This variant is present in population databases (rs199883742, gnomAD 0.0009%). This sequence change falls in intron 12 of the COL6A2 gene. It does not directly change the encoded amino acid sequence of the COL6A2 protein. It affects a nucleotide within the consensus splice site.

Literature cited by the submitters: PubMed 17576681; PubMed 9536098.